The following is an entry in ClinVar:

ClinVar aggregate classification (germline): Uncertain significance (1 of 4 stars; one submission).

Conditions:
Catecholaminergic polymorphic ventricular tachycardia 1. Also called: VENTRICULAR TACHYCARDIA, STRESS-INDUCED POLYMORPHIC 1; VENTRICULAR TACHYCARDIA, CATECHOLAMINERGIC POLYMORPHIC, 1, WITH OR WITHOUT ATRIAL DYSFUNCTION AND/OR DILATED CARDIOMYOPATHY; RYR2-Related Catecholaminergic Polymorphic Ventricular Tachycardia. Identifiers: Orphanet 3286, MedGen C1631597, MONDO:0011484, OMIM 604772.

Submission:

Labcorp Genetics (formerly Invitae), Labcorp
Classification: Uncertain significance for Catecholaminergic polymorphic ventricular tachycardia 1. Last evaluated: 2021-12-29. Review status: criteria provided, single submitter. Criteria: Invitae Variant Classification Sherloc (09022015). Collection method: clinical testing. Allele origin: germline.
Comment: This variant, c.1916_1918del, results in the deletion of 1 amino acid(s) of the TRDN protein (p.Arg639del), but otherwise preserves the integrity of the reading frame. This variant is not present in population databases (gnomAD no frequency). This variant has not been reported in the literature in individuals affected with TRDN-related conditions. Experimental studies and prediction algorithms are not available or were not evaluated, and the functional significance of this variant is currently unknown. In summary, the available evidence is currently insufficient to determine the role of this variant in disease. Therefore, it has been classified as a Variant of Uncertain Significance.

NM_006073.4(TRDN):c.1916_1918del (p.Arg639del)

Gene: TRDN (triadin; minus strand). Cytogenetic location: 6q22.31.
Variant type: Deletion.
Coding change: c.1916_1918del on transcript NM_006073.4 (MANE Select); coding-DNA positions 1916 to 1918, 3 bases deleted (GAA; older notation c.1916_1918delGAA).
Protein change: p.Arg639del; deletes arginine 639.
Molecular consequence: inframe deletion.
Genome position (GRCh38, 1-based): chr6:123,255,114-123,255,116, TTC deleted on the plus strand (GAA on the coding strand, the reverse complement: TRDN is on the minus strand); deleting any 3 consecutive bases within chr6:123,255,114-123,255,118 gives the same sequence; the c. name uses the placement nearest the transcript's 3' end. VCF-style (leftmost placement, unchanged base first): chr6-123255113-TTTC-T. GRCh37 (hg19) VCF-style: chr6-123576258-TTTC-T.
Other names: short protein forms R639del.
Identifiers: ClinVar variation 1942891 (VCV001942891.2), dbSNP rs2533510929, ClinGen allele CA2580074832.